The following is an entry in ClinVar:

NM_001606.5(ABCA2):c.7297G>A (p.Asp2433Asn)

Gene: ABCA2 (ATP binding cassette subfamily A member 2; minus strand). Cytogenetic location: 9q34.3.
Variant type: single nucleotide variant.
Coding change: c.7297G>A on transcript NM_001606.5 (MANE Select); coding-DNA position 7297, G replaced by A.
Protein change: p.Asp2433Asn; replaces aspartic acid 2433 with asparagine.
Molecular consequence: missense variant.
Genome position (GRCh38, 1-based): chr9:137,007,943, C>T on the plus strand (G>A on the coding strand, the complement: ABCA2 is on the minus strand). VCF-style: chr9-137007943-C-T. GRCh37 (hg19) VCF-style: chr9-139902395-C-T.
Other names: c.7294G>A, p.Asp2432Asn (NM_001411042.1); c.7387G>A, p.Asp2463Asn (NM_212533.3); short protein forms D2432N, D2463N, D2433N.
Identifiers: ClinVar variation 2213943 (VCV002213943.4), dbSNP rs771105113, ClinGen allele CA201692762.

ClinVar aggregate classification (germline): Uncertain significance. Review status: criteria provided, multiple submitters, no conflicts (2 of 4 stars). 2 submissions from 2 submitters: Uncertain significance (2). Last evaluated 2025-08-27.

Allele frequency attached by ClinVar (database versions not stated): TOPMed 0.00008; gnomAD 0.00008.
gnomAD v4.1: 21 of 1,605,616 alleles (0.0013%); highest among the groups gnomAD compares: Admixed American, 0.028%; no homozygotes.

Submissions (2):

Dasa
Classification: Uncertain significance. Last evaluated: 2025-08-27. Review status: criteria provided, single submitter. Criteria: DASA Assertion Criteria. Collection method: clinical testing. Allele origin: germline.
Comment: NM_001606.5(ABCA2):c.7297G>A (p.Asp2433Asn) is a missense variant that results in the substitution of aspartic acid with asparagine. This variant is rare in population databases. The currently available literature and clinical evidence are not sufficient to establish a definitive association between this variant and the reported condition. Therefore, this variant is classified as a variant of uncertain significance.

Ambry Genetics
Classification: Uncertain significance. Last evaluated: 2022-09-06. Review status: criteria provided, single submitter. Criteria: Ambry Variant Classification Scheme 2023. Collection method: clinical testing. Allele origin: germline.